The following is an entry in ClinVar:

ClinVar aggregate classification (germline): Uncertain significance. Review status: criteria provided, multiple submitters, no conflicts (2 of 4 stars). 3 submissions from 3 submitters: Uncertain significance (3). Last evaluated 2025-09-10.

Conditions:
Hereditary cancer-predisposing syndrome. Also called: Neoplastic Syndromes, Hereditary; Tumor predisposition; Hereditary Cancer Syndrome; Hereditary neoplastic syndrome. Identifiers: Orphanet 140162, MedGen C0027672, MeSH D009386, MONDO:0015356.

gnomAD v4.1: 1 of 1,613,962 alleles (0.000062%); no homozygotes.

Submissions (3):

Labcorp Genetics (formerly Invitae), Labcorp
Classification: Uncertain significance. Last evaluated: 2025-09-10. Review status: criteria provided, single submitter. Criteria: Invitae Variant Classification Sherloc (09022015). Collection method: clinical testing. Allele origin: germline.
Comment: This sequence change replaces aspartic acid, which is acidic and polar, with glycine, which is neutral and non-polar, at codon 277 of the MSH3 protein (p.Asp277Gly). This variant is not present in population databases (gnomAD no frequency). This variant has not been reported in the literature in individuals affected with MSH3-related conditions. ClinVar contains an entry for this variant (Variation ID: 1762860). An algorithm developed to predict the effect of missense changes on protein structure and function (PolyPhen-2) suggests that this variant is likely to be disruptive. In summary, the available evidence is currently insufficient to determine the role of this variant in disease. Therefore, it has been classified as a Variant of Uncertain Significance.

Quest Diagnostics Nichols Institute San Juan Capistrano
Classification: Uncertain significance. Last evaluated: 2025-03-22. Review status: criteria provided, single submitter. Criteria: Quest Diagnostics criteria. Collection method: clinical testing. Allele origin: unknown.
Comment: The MSH3 c.830A>G (p.Asp277Gly) variant has not been reported in individuals with MSH3-related conditions in the published literature. It also has not been reported in large, multi-ethnic general populations (Genome Aggregation Database). Analysis of this variant using bioinformatics tools for the prediction of the effect of amino acid changes on protein structure and function yielded predictions that this variant is damaging. Based on the available information, we are unable to determine the clinical significance of this variant.

Ambry Genetics
Classification: Uncertain significance for Hereditary cancer-predisposing syndrome. Last evaluated: 2024-02-06. Review status: criteria provided, single submitter. Criteria: Ambry Variant Classification Scheme 2023. Collection method: clinical testing. Allele origin: germline.
Comment: The p.D277G variant (also known as c.830A>G), located in coding exon 5 of the MSH3 gene, results from an A to G substitution at nucleotide position 830. The aspartic acid at codon 277 is replaced by glycine, an amino acid with similar properties. This amino acid position is highly conserved in available vertebrate species. In addition, the in silico prediction for this alteration is inconclusive. Since supporting evidence is limited at this time, the clinical significance of this alteration remains unclear.

NM_002439.5(MSH3):c.830A>G (p.Asp277Gly)

Gene: MSH3 (mutS homolog 3; plus strand). Cytogenetic location: 5q14.1.
Variant type: single nucleotide variant.
Coding change: c.830A>G on transcript NM_002439.5 (MANE Select); coding-DNA position 830, A replaced by G.
Protein change: p.Asp277Gly; replaces aspartic acid 277 with glycine.
Molecular consequence: missense variant.
Genome position (GRCh38, 1-based): chr5:80,672,281, A>G. VCF-style: chr5-80672281-A-G. GRCh37 (hg19) VCF-style: chr5-79968100-A-G.
Other names: c.830A>G (NM_002439.4); short protein forms D277G.
Identifiers: ClinVar variation 1762860 (VCV001762860.5), dbSNP rs1749740271, ClinGen allele CA360267130.